The following is an entry in ClinVar:

NM_001037333.3(CYFIP2):c.3659T>A (p.Ile1220Asn)

Genes: CYFIP2 (cytoplasmic FMR1 interacting protein 2; plus strand), NIPAL4-DT (NIPAL4 divergent transcript; minus strand). Cytogenetic location: 5q33.3.
Variant type: single nucleotide variant.
Coding change: c.3659T>A on transcript NM_001037333.3 (MANE Select); coding-DNA position 3659, T replaced by A.
Protein change: p.Ile1220Asn; replaces isoleucine 1220 with asparagine.
Molecular consequence: missense variant.
Genome position (GRCh38, 1-based): chr5:157,392,897, T>A. VCF-style: chr5-157392897-T-A. GRCh37 (hg19) VCF-style: chr5-156819905-T-A.
Other names: c.3581T>A, p.Ile1194Asn (NM_001291721.2); c.3734T>A, p.Ile1245Asn (NM_001291722.2); c.3659T>A, p.Ile1220Asn (NM_014376.4); short protein forms I1194N, I1245N, I1220N.
Identifiers: ClinVar variation 3639414 (VCV003639414.2).

ClinVar aggregate classification (germline): Uncertain significance (1 of 4 stars; one submission).

Submission:

Labcorp Genetics (formerly Invitae), Labcorp
Classification: Uncertain significance. Last evaluated: 2024-02-07. Review status: criteria provided, single submitter. Criteria: Invitae Variant Classification Sherloc (09022015). Collection method: clinical testing. Allele origin: germline.
Comment: This sequence change replaces isoleucine, which is neutral and non-polar, with asparagine, which is neutral and polar, at codon 1220 of the CYFIP2 protein (p.Ile1220Asn). This variant is not present in population databases (gnomAD no frequency). This variant has not been reported in the literature in individuals affected with CYFIP2-related conditions. Experimental studies and prediction algorithms are not available or were not evaluated, and the functional significance of this variant is currently unknown. In summary, the available evidence is currently insufficient to determine the role of this variant in disease. Therefore, it has been classified as a Variant of Uncertain Significance.